The following is an entry in ClinVar:

ClinVar aggregate classification (germline): Likely pathogenic. Review status: criteria provided, multiple submitters, no conflicts (2 of 4 stars). 3 submissions from 3 submitters: Likely pathogenic (3). Last evaluated 2025-05-30.

Conditions:
CLCN5-related disorder. Also called: CLCN5-related condition.

Submissions (3):

Labcorp Genetics (formerly Invitae), Labcorp
Classification: Likely pathogenic. Last evaluated: 2025-05-30. Review status: criteria provided, single submitter. Criteria: Invitae Variant Classification Sherloc (09022015). Collection method: clinical testing. Allele origin: germline.
Comment: This sequence change replaces serine, which is neutral and polar, with asparagine, which is neutral and polar, at codon 545 of the CLCN5 protein (p.Ser545Asn). This variant is not present in population databases (gnomAD no frequency). This missense change has been observed in individual(s) with Dent disease (PMID: 15086899, 29058463; internal data). ClinVar contains an entry for this variant (Variation ID: 2631675). Invitae Evidence Modeling of protein sequence and biophysical properties (such as structural, functional, and spatial information, amino acid conservation, physicochemical variation, residue mobility, and thermodynamic stability) indicates that this missense variant is expected to disrupt CLCN5 protein function with a positive predictive value of 80%. This variant disrupts the p.Ser545 amino acid residue in CLCN5. Other variant(s) that disrupt this residue have been observed in individuals with CLCN5-related conditions (PMID: 31674016), which suggests that this may be a clinically significant amino acid residue. In summary, the currently available evidence indicates that the variant is pathogenic, but additional data are needed to prove that conclusively. Therefore, this variant has been classified as Likely Pathogenic.

GeneDx
Classification: Likely pathogenic. Last evaluated: 2025-04-08. Review status: criteria provided, single submitter. Criteria: GeneDx Variant Classification Process June 2021. Collection method: clinical testing. Allele origin: germline. Affected: yes.
Comment: Not observed at significant frequency in large population cohorts (gnomAD); In silico analysis supports that this missense variant has a deleterious effect on protein structure/function; Missense variants in this gene are a common cause of disease and they are underrepresented in the general population; This variant is associated with the following publications: (PMID: 32248351, 19579036, 25907713, 24912603, 15086899, 29058463, 18038239)

PreventionGenetics, part of Exact Sciences
Classification: Likely pathogenic for CLCN5-related condition. Last evaluated: 2023-08-10. Review status: criteria provided, single submitter. Criteria: ACMG Guidelines, 2015. Collection method: clinical testing. Allele origin: germline.
Comment: The CLCN5 c.1634G>A variant is predicted to result in the amino acid substitution p.Ser545Asn. This variant was reported in an individual with Dent disease (Hoopes et al 2004. PubMed ID: 15086899). In addition, a different amino acid substitutions of this position (p.Ser545Arg) has been reported in patients with Dent disease (Ye Q et al 2020. PubMed ID: 31674016; Reported as p.S615R in Supp. Table S3, Rao J et al 2019. PubMed ID: 31328266). This variant has not been reported in a large population database, indicating this variant is rare. This variant is interpreted as likely pathogenic.

Literature cited by the submitters: PubMed 15086899 (cited by Labcorp Genetics (formerly Invitae), Labcorp); PubMed 29058463 (cited by Labcorp Genetics (formerly Invitae), Labcorp); PubMed 31674016 (cited by Labcorp Genetics (formerly Invitae), Labcorp).

NM_001127898.4(CLCN5):c.1844G>A (p.Ser615Asn)

Genes: CLCN5 (chloride voltage-gated channel 5; plus strand), LOC126863258 (BRD4-independent group 4 enhancer GRCh37_chrX:49854497-49855696; plus strand). Cytogenetic location: Xp11.23.
Variant type: single nucleotide variant.
Coding change: c.1844G>A on transcript NM_001127898.4 (MANE Select); coding-DNA position 1844, G replaced by A.
Protein change: p.Ser615Asn; replaces serine 615 with asparagine.
Molecular consequence: missense variant.
Genome position (GRCh38, 1-based): chrX:50,090,215, G>A. VCF-style: chrX-50090215-G-A. GRCh37 (hg19) VCF-style: chrX-49854872-G-A.
Other names: c.1634G>A, p.Ser545Asn (NM_000084.5); c.1844G>A, p.Ser615Asn (NM_001127899.4); c.1694G>A, p.Ser565Asn (NM_001282163.2); c.1634G>A (NM_000084.2); short protein forms S545N, S565N, S615N.
Identifiers: ClinVar variation 2631675 (VCV002631675.3), dbSNP rs2519444688, ClinGen allele CA413189086.